The following is an entry in ClinVar:

ClinVar aggregate classification (germline): Uncertain significance (1 of 4 stars; one submission).

Conditions:
Neuropathy, hereditary motor and sensory, type 6B (HMSN6B). Also called: HMSN VIB; CHARCOT-MARIE-TOOTH DISEASE, TYPE 6B; Neuropathy, hereditary motor and sensory, type VIB; NEUROPATHY, HEREDITARY MOTOR AND SENSORY, TYPE VIB, WITH OPTIC ATROPHY. Identifiers: MedGen C4225302, MONDO:0014671, OMIM 616505.

Allele frequency attached by ClinVar (database versions not stated): gnomAD exomes below 0.00001; ExAC 0.00001.

Submission:

Labcorp Genetics (formerly Invitae), Labcorp
Classification: Uncertain significance for Neuropathy, hereditary motor and sensory, type 6B. Last evaluated: 2019-11-24. Review status: criteria provided, single submitter. Criteria: Invitae Variant Classification Sherloc (09022015). Collection method: clinical testing. Allele origin: germline.
Comment: In summary, the available evidence is currently insufficient to determine the role of this variant in disease. Therefore, it has been classified as a Variant of Uncertain Significance. Algorithms developed to predict the effect of missense changes on protein structure and function (SIFT, PolyPhen-2, Align-GVGD) all suggest that this variant is likely to be tolerated, but these predictions have not been confirmed by published functional studies and their clinical significance is uncertain. This variant has not been reported in the literature in individuals with SLC25A46-related conditions. This variant is present in population databases (rs777447707, ExAC 0.001%). This sequence change replaces methionine with isoleucine at codon 309 of the SLC25A46 protein (p.Met309Ile). The methionine residue is moderately conserved and there is a small physicochemical difference between methionine and isoleucine.

NM_138773.4(SLC25A46):c.927G>T (p.Met309Ile)

Gene: SLC25A46 (solute carrier family 25 member 46; plus strand). Cytogenetic location: 5q22.1.
Variant type: single nucleotide variant.
Coding change: c.927G>T on transcript NM_138773.4 (MANE Select); coding-DNA position 927, G replaced by T.
Protein change: p.Met309Ile; replaces methionine 309 with isoleucine.
Molecular consequence: missense variant. On other transcripts: non-coding transcript variant (1).
Genome position (GRCh38, 1-based): chr5:110,761,452, G>T. VCF-style: chr5-110761452-G-T. GRCh37 (hg19) VCF-style: chr5-110097152-G-T.
Other names: c.684G>T, p.Met228Ile (NM_001303249.3); c.654G>T, p.Met218Ile (NM_001303250.3); short protein forms M309I, M218I, M228I.
Identifiers: ClinVar variation 853880 (VCV000853880.8), dbSNP rs777447707, ClinGen allele CA3364777.